The following is an entry in ClinVar:

ClinVar aggregate classification (germline): Pathogenic (0 of 4 stars; one submission).

Conditions:
Autosomal recessive juvenile Parkinson disease 2. Also called: Parkinson disease, juvenile, type 2; PARKINSON DISEASE, JUVENILE, AUTOSOMAL RECESSIVE; PRKN-Related Early-Onset Parkinson Disease; Parkinson disease autosomal recessive, early onset; Juvenile parkinsonism; Parkinsonism, early onset, with diurnal fluctuation. Identifiers: Orphanet 2828, MedGen C1868675, MONDO:0010820, OMIM 600116.

Submission:

Istanbul Faculty of Medicine, Istanbul University
Classification: Pathogenic for Autosomal recessive juvenile Parkinson disease 2. Last evaluated: 2017-03-24. Review status: no assertion criteria provided. Collection method: clinical testing. Allele origin: unknown. Affected: yes. Observed: 1 variant allele.

Literature cited by the submitters: DOI 10.1016/j.parkreldis.2021.10.024.

NM_004562.3(PRKN):c.491del (p.Val164fs)

Genes: PRKN (parkin RBR E3 ubiquitin protein ligase; minus strand), LOC126859871 (MED14-independent group 3 enhancer GRCh37_chr6:162621359-162622558; plus strand). Cytogenetic location: 6q26.
Variant type: Deletion.
Coding change: c.491del on transcript NM_004562.3 (MANE Select); coding-DNA position 491, one base deleted (T; older notation c.491delT).
Protein change: p.Val164fs; shifts the reading frame from valine 164.
Molecular consequence: frameshift variant. On other transcripts: intron variant (1).
Genome position (GRCh38, 1-based): chr6:162,201,174, A deleted on the plus strand (T on the coding strand, the reverse complement: PRKN is on the minus strand). VCF-style (leftmost placement, unchanged base first): chr6-162201173-TA-T. GRCh37 (hg19) VCF-style: chr6-162622205-TA-T.
Other names: c.491del, p.Val164fs (NM_013987.3); c.172-227757del (NM_013988.3); c.491delT (NM_004562.3); short protein forms V164fs.
Identifiers: ClinVar variation 1172527 (VCV001172527.2), dbSNP rs2128330405, ClinGen allele CA2573052642.